The following is an entry in ClinVar:

NM_001103.4(ACTN2):c.581G>A (p.Arg194Gln)

Gene: ACTN2 (actinin alpha 2; plus strand). Cytogenetic location: 1q43.
Variant type: single nucleotide variant.
Coding change: c.581G>A on transcript NM_001103.4 (MANE Select); coding-DNA position 581, G replaced by A.
Protein change: p.Arg194Gln; replaces arginine 194 with glutamine.
Molecular consequence: missense variant. On other transcripts: 5 prime UTR variant (1).
Genome position (GRCh38, 1-based): chr1:236,727,722, G>A. VCF-style: chr1-236727722-G-A. GRCh37 (hg19) VCF-style: chr1-236891022-G-A.
Other names: c.581G>A, p.Arg194Gln (NM_001278343.2); c.-241G>A (NM_001278344.2); short protein forms R194Q.
Identifiers: ClinVar variation 626619 (VCV000626619.17), dbSNP rs528123945, ClinGen allele CA1472841.
Genomic context (GRCh38, chr1:236,727,722, plus strand): 5'-CTCGACGGCTGTGAAGCTGGAAAGATGGCCTTGGACTCTGTGCCCTCATCCACCGACACC[G>A]GCCTGACCTCATTGACTACTCAAAGCTTAACAAGGTTATTCTGGGTGGCCTGGCATGCAG-3'
Protein context (NP_001094.1, residues 184-204): LGLCALIHRH[Arg194Gln]PDLIDYSKLN

ClinVar aggregate classification (germline): Uncertain significance. Review status: criteria provided, multiple submitters, no conflicts (2 of 4 stars). 4 submissions from 4 submitters: Uncertain significance (4). Last evaluated 2026-03-05.

Conditions:
Dilated cardiomyopathy 1AA (CMD1AA). Also called: CARDIOMYOPATHY, DILATED, 1AA, WITH OR WITHOUT LEFT VENTRICULAR NONCOMPACTION; CARDIOMYOPATHY, FAMILIAL HYPERTROPHIC, 23, WITH OR WITHOUT LEFT VENTRICULAR NONCOMPACTION; Cardiomyopathy, dilated, 1AA, with or without LVNC. Identifiers: Orphanet 154, MedGen C2677338, MONDO:0012808, OMIM 612158.
Primary familial hypertrophic cardiomyopathy (HCM). Identifiers: Orphanet 99739, MedGen C0949658, MeSH D024741, MONDO:0024573. Inheritance: Various modes of inheritance.
Cardiovascular phenotype. Identifiers: MedGen CN230736.
Cardiomyopathy (CMYO). Also called: Cardiomyopathies. Identifiers: Orphanet 167848, MedGen C0878544, MONDO:0004994, HP:0001638. Inheritance: Various modes of inheritance.

Allele frequency attached by ClinVar (database versions not stated): ExAC 0.00001; gnomAD 0.00001 and 0.00002; TOPMed 0.00002; gnomAD exomes 0.00001.
gnomAD v4.1: 17 of 1,613,960 alleles (0.0011%); highest among the groups gnomAD compares: Middle Eastern, 0.033%; no homozygotes.

Submissions (4):

Dasa
Classification: Uncertain significance. Last evaluated: 2026-03-05. Review status: criteria provided, single submitter. Criteria: DASA Assertion Criteria. Collection method: clinical testing. Allele origin: germline.
Comment: NM_001103.4(ACTN2):c.581G>A (p.Arg194Gln) is a missense variant that results in the substitution of arginine with glutamine. This variant is rare in population databases. Computational prediction algorithms are consistent with a deleterious effect. The currently available literature and clinical evidence are not sufficient to establish a definitive association between this variant and the reported condition. Therefore, this variant is classified as a variant of uncertain significance.

Labcorp Genetics (formerly Invitae), Labcorp
Classification: Uncertain significance for Primary familial hypertrophic cardiomyopathy; Dilated cardiomyopathy 1AA. Last evaluated: 2025-12-24. Review status: criteria provided, single submitter. Criteria: Invitae Variant Classification Sherloc (09022015). Collection method: clinical testing. Allele origin: germline.
Comment: This sequence change replaces arginine, which is basic and polar, with glutamine, which is neutral and polar, at codon 194 of the ACTN2 protein (p.Arg194Gln). This variant is present in population databases (rs528123945, gnomAD 0.002%). This variant has not been reported in the literature in individuals affected with ACTN2-related conditions. ClinVar contains an entry for this variant (Variation ID: 626619). Invitae Evidence Modeling of protein sequence and biophysical properties (such as structural, functional, and spatial information, amino acid conservation, physicochemical variation, residue mobility, and thermodynamic stability) indicates that this missense variant is expected to disrupt ACTN2 protein function with a positive predictive value of 80%. In summary, the available evidence is currently insufficient to determine the role of this variant in disease. Therefore, it has been classified as a Variant of Uncertain Significance.

Ambry Genetics
Classification: Uncertain significance for Cardiovascular phenotype. Last evaluated: 2025-08-19. Review status: criteria provided, single submitter. Criteria: Ambry Variant Classification Scheme 2023. Collection method: clinical testing. Allele origin: germline.
Comment: The p.R194Q variant (also known as c.581G>A), located in coding exon 6 of the ACTN2 gene, results from a G to A substitution at nucleotide position 581. The arginine at codon 194 is replaced by glutamine, an amino acid with highly similar properties. This amino acid position is conserved. In addition, this alteration is predicted to be deleterious by in silico analysis. Since supporting evidence is limited at this time, the clinical significance of this alteration remains unclear.

CHEO Genetics Diagnostic Laboratory, Children's Hospital of Eastern Ontario
Classification: Uncertain significance for Cardiomyopathy. Last evaluated: 2017-10-30. Review status: criteria provided, single submitter. Criteria: ACMG Guidelines, 2015. Collection method: clinical testing. Allele origin: germline. Study: Canadian Open Genetics Repository.